The following is an entry in ClinVar:

NM_018968.4(SNTG2):c.611C>T (p.Ser204Leu)

Gene: SNTG2 (syntrophin gamma 2; plus strand). Cytogenetic location: 2p25.3.
Variant type: single nucleotide variant.
Coding change: c.611C>T on transcript NM_018968.4 (MANE Select); coding-DNA position 611, C replaced by T.
Protein change: p.Ser204Leu; replaces serine 204 with leucine.
Molecular consequence: missense variant.
Genome position (GRCh38, 1-based): chr2:1,209,122, C>T. VCF-style: chr2-1209122-C-T. GRCh37 (hg19) VCF-style: chr2-1204808-C-T.
Other names: short protein forms S204L.
Identifiers: ClinVar variation 789265 (VCV000789265.28), dbSNP rs190210611, ClinGen allele CA1510939.

ClinVar aggregate classification (germline): Likely benign. Review status: criteria provided, multiple submitters, no conflicts (2 of 4 stars). 2 submissions from 2 submitters: Likely benign (2). Last evaluated 2023-03-01.

Allele frequency attached by ClinVar (database versions not stated): 1000 Genomes Project 0.00060; 1000 Genomes Project 30x 0.00078; TOPMed 0.00196; ExAC 0.00244; ESP Exome Variant Server 0.00262; gnomAD 0.00452.
gnomAD v4.1: 4,033 of 1,613,978 alleles (0.25%); highest among the groups gnomAD compares: Non-Finnish European, 0.27%; 11 homozygotes.

Submissions (2):

CeGaT Center for Human Genetics Tuebingen
Classification: Likely benign. Last evaluated: 2023-03-01. Review status: criteria provided, single submitter. Criteria: CeGaT Center For Human Genetics Tuebingen Variant Classification Criteria Version 2. Collection method: clinical testing. Allele origin: germline. Affected: yes. Observed: 1 variant allele.
Comment: SNTG2: BS2

Labcorp Genetics (formerly Invitae), Labcorp
Classification: Likely benign. Last evaluated: 2019-12-31. Review status: criteria provided, single submitter. Criteria: Invitae Variant Classification Sherloc (09022015). Collection method: clinical testing. Allele origin: germline.